The following is an entry in ClinVar:

NM_001267550.2(TTN):c.72624A>G (p.Pro24208=)

Genes: TTN-AS1 (TTN antisense RNA 1; plus strand), TTN (titin; minus strand). Cytogenetic location: 2q31.2.
Variant type: single nucleotide variant.
Coding change: c.72624A>G on transcript NM_001267550.2 (MANE Select); coding-DNA position 72624, A replaced by G.
Protein change: p.Pro24208=; no amino-acid change (proline 24208 retained).
Molecular consequence: synonymous variant.
Genome position (GRCh38, 1-based): chr2:178,573,508, T>C on the plus strand (A>G on the coding strand, the complement: TTN is on the minus strand). VCF-style: chr2-178573508-T-C. GRCh37 (hg19) VCF-style: chr2-179438235-T-C.
Other names: p.P22567P:CCA>CCG; p.Pro22567=; c.67701A>G, p.Pro22567= (NM_001256850.1); c.45429A>G, p.Pro15143= (NM_003319.4); c.64920A>G, p.Pro21640= (NM_133378.4); c.45804A>G, p.Pro15268= (NM_133432.3); c.46005A>G, p.Pro15335= (NM_133437.4).
Identifiers: ClinVar variation 47316 (VCV000047316.51), dbSNP rs56293906, ClinGen allele CA283734.

ClinVar aggregate classification (germline): Benign/Likely benign. Review status: criteria provided, multiple submitters, no conflicts (2 of 4 stars). 27 submissions from 20 submitters: Benign (17); Likely benign (5). 5 of the submissions do not count toward it. Last evaluated 2026-02-03.

Conditions:
Cardiovascular phenotype. Identifiers: MedGen CN230736.
Dilated cardiomyopathy 1G (CMD1G). Identifiers: Orphanet 154, MedGen C1858763, MONDO:0011400, OMIM 604145.
Autosomal recessive limb-girdle muscular dystrophy type 2J (LGMDR10). Also called: MUSCULAR DYSTROPHY, LIMB-GIRDLE, AUTOSOMAL RECESSIVE 10; Limb-girdle muscular dystrophy, type 2J. Identifiers: Orphanet 140922, MedGen C1837342, MONDO:0012127, OMIM 608807.
Cardiomyopathy (CMYO). Also called: Cardiomyopathies. Identifiers: Orphanet 167848, MedGen C0878544, MONDO:0004994, HP:0001638. Inheritance: Various modes of inheritance.
Myopathy, myofibrillar, 9, with early respiratory failure (MFM9). Also called: Myopathy, distal, with early respiratory failure, autosomal dominant; Hereditary myopathy with early respiratory failure; MYOPATHY, PROXIMAL, WITH EARLY RESPIRATORY MUSCLE INVOLVEMENT; EDSTROM MYOPATHY. Identifiers: Orphanet 178464, Orphanet 34521, MedGen C1863599, MONDO:0011362, OMIM 603689.
Early-onset myopathy with fatal cardiomyopathy (CMYO5). Also called: CONGENITAL MYOPATHY 5 WITH CARDIOMYOPATHY; Salih Myopathy. Identifiers: Orphanet 289377, MedGen C2673677, MONDO:0012714, OMIM 611705. Disease mechanism: loss of function.
Tibial muscular dystrophy (TMD). Also called: Udd Distal Myopathy – Tibial Muscular Dystrophy; Tibial muscular dystrophy, tardive; UDD MYOPATHY. Identifiers: Orphanet 609, MedGen C1838244, MONDO:0010870, OMIM 600334.

Allele frequency attached by ClinVar (database versions not stated): TOPMed 0.00104; gnomAD 0.00178 and 0.00103; 1000 Genomes Project 30x 0.00593; 1000 Genomes Project 0.00599; ESP Exome Variant Server 0.00148; gnomAD exomes 0.00186 and 0.00288; ExAC 0.00308.
gnomAD v4.1: 2,820 of 1,498,518 alleles (0.19%); highest among the groups gnomAD compares: South Asian, 2%; 41 homozygotes.

Submissions (27):

Labcorp Genetics (formerly Invitae), Labcorp
Classification: Benign for Dilated cardiomyopathy 1G; Autosomal recessive limb-girdle muscular dystrophy type 2J. Last evaluated: 2026-02-03. Review status: criteria provided, single submitter. Criteria: Invitae Variant Classification Sherloc (09022015). Collection method: clinical testing. Allele origin: germline.

ARUP Laboratories, Molecular Genetics and Genomics, ARUP Laboratories
Classification: Benign. Last evaluated: 2025-06-23. Review status: criteria provided, single submitter. Criteria: ARUP Molecular Germline Variant Investigation Process 2024. Collection method: clinical testing. Allele origin: germline.

Molecular Diagnostic Laboratory for Inherited Cardiovascular Disease, Montreal Heart Institute
Classification: Benign. Last evaluated: 2025-04-09. Review status: criteria provided, single submitter. Criteria: ACMG Guidelines, 2015. Collection method: clinical testing. Allele origin: germline. Affected: no.

Athena Diagnostics
Classification: Benign. Last evaluated: 2025-01-21. Review status: criteria provided, single submitter. Criteria: Athena Diagnostics Criteria. Collection method: clinical testing. Allele origin: unknown.
Comment: The frequency of this variant in the general population is higher than would generally be expected for pathogenic variants in this gene.

Blueprint Genetics
Classification: Likely benign. Last evaluated: 2024-11-26. Review status: criteria provided, single submitter. Criteria: ACMG Guidelines, 2015. Collection method: clinical testing. Allele origin: germline.

Mayo Clinic Laboratories, Mayo Clinic
Classification: Benign. Last evaluated: 2023-06-16. Review status: criteria provided, single submitter. Criteria: ACMG Guidelines, 2015. Collection method: clinical testing. Allele origin: germline. Observed: 8 variant alleles.
Comment: BS1, BS2

Genome-Nilou Lab
Classification: Benign for Autosomal recessive limb-girdle muscular dystrophy type 2J. Last evaluated: 2021-09-10. Review status: criteria provided, single submitter. Criteria: ACMG Guidelines, 2015. Collection method: clinical testing. Allele origin: germline. Affected: no.

Genome-Nilou Lab
Classification: Benign for Myopathy, myofibrillar, 9, with early respiratory failure. Last evaluated: 2021-09-10. Review status: criteria provided, single submitter. Criteria: ACMG Guidelines, 2015. Collection method: clinical testing. Allele origin: germline. Affected: no.

Genome-Nilou Lab
Classification: Benign for Early-onset myopathy with fatal cardiomyopathy. Last evaluated: 2021-09-10. Review status: criteria provided, single submitter. Criteria: ACMG Guidelines, 2015. Collection method: clinical testing. Allele origin: germline. Affected: no.

Genome-Nilou Lab
Classification: Benign for Tibial muscular dystrophy. Last evaluated: 2021-09-10. Review status: criteria provided, single submitter. Criteria: ACMG Guidelines, 2015. Collection method: clinical testing. Allele origin: germline. Affected: no.

Women's Health and Genetics/Laboratory Corporation of America, LabCorp
Classification: Benign. Last evaluated: 2020-01-06. Review status: criteria provided, single submitter. Criteria: LabCorp Variant Classification Summary - May 2015. Collection method: clinical testing. Allele origin: germline.

Illumina Laboratory Services, Illumina
Classification: Benign for Myopathy, myofibrillar, 9, with early respiratory failure. Last evaluated: 2018-01-13. Review status: criteria provided, single submitter. Criteria: ICSL Variant Classification Criteria 13 December 2019. Collection method: clinical testing. Allele origin: germline.
Comment: This variant was observed in the ICSL laboratory as part of a predisposition screen in an ostensibly healthy population. It had not been previously curated by ICSL or reported in the Human Gene Mutation Database (HGMD: prior to June 1st, 2018), and was therefore a candidate for classification through an automated scoring system. Utilizing variant allele frequency, disease prevalence and penetrance estimates, and inheritance mode, an automated score was calculated to assess if this variant is too frequent to cause the disease. Based on the score and internal cut-off values, a variant classified as benign is not then subjected to further curation. The score for this variant resulted in a classification of benign for this disease.

Illumina Laboratory Services, Illumina
Classification: Likely benign for Early-onset myopathy with fatal cardiomyopathy. Last evaluated: 2018-01-13. Review status: criteria provided, single submitter. Criteria: ICSL Variant Classification Criteria 13 December 2019. Collection method: clinical testing. Allele origin: germline.
Comment: This variant was observed in the ICSL laboratory as part of a predisposition screen in an ostensibly healthy population. It had not been previously curated by ICSL or reported in the Human Gene Mutation Database (HGMD: prior to June 1st, 2018), and was therefore a candidate for classification through an automated scoring system. Utilizing variant allele frequency, disease prevalence and penetrance estimates, and inheritance mode, an automated score was calculated to assess if this variant is too frequent to cause the disease. Based on the score and internal cut-off values, a variant classified as likely benign is not then subjected to further curation. The score for this variant resulted in a classification of likely benign for this disease.

Illumina Laboratory Services, Illumina
Classification: Likely benign for Dilated cardiomyopathy 1G. Last evaluated: 2018-01-13. Review status: criteria provided, single submitter. Criteria: ICSL Variant Classification Criteria 13 December 2019. Collection method: clinical testing. Allele origin: germline.
Comment: the same text as in the submission from Illumina Laboratory Services, Illumina above.

Illumina Laboratory Services, Illumina
Classification: Likely benign for Autosomal recessive limb-girdle muscular dystrophy type 2J. Last evaluated: 2018-01-13. Review status: criteria provided, single submitter. Criteria: ICSL Variant Classification Criteria 13 December 2019. Collection method: clinical testing. Allele origin: germline.
Comment: the same text as in the submission from Illumina Laboratory Services, Illumina above.

Illumina Laboratory Services, Illumina
Classification: Benign for Tibial muscular dystrophy. Last evaluated: 2018-01-13. Review status: criteria provided, single submitter. Criteria: ICSL Variant Classification Criteria 13 December 2019. Collection method: clinical testing. Allele origin: germline.
Comment: the same text as in the submission from Illumina Laboratory Services, Illumina above.

Ambry Genetics
Classification: Benign for Cardiovascular phenotype. Last evaluated: 2017-02-22. Review status: criteria provided, single submitter. Criteria: Ambry Variant Classification Scheme 2023. Collection method: clinical testing. Allele origin: germline.

CHEO Genetics Diagnostic Laboratory, Children's Hospital of Eastern Ontario
Classification: Benign for Cardiomyopathy. Last evaluated: 2016-03-15. Review status: criteria provided, single submitter. Criteria: ACMG Guidelines, 2015. Collection method: clinical testing. Allele origin: germline. Study: Canadian Open Genetics Repository.

Eurofins Ntd Llc (ga)
Classification: Benign. Last evaluated: 2015-09-01. Review status: criteria provided, single submitter. Criteria: EGL Classification Definitions 2015. Collection method: clinical testing. Allele origin: germline. Observed: 1 variant allele, 1 heterozygote.

Laboratory for Molecular Medicine, Mass General Brigham Personalized Medicine
Classification: Benign. Last evaluated: 2015-04-28. Review status: criteria provided, single submitter. Criteria: LMM Criteria. Collection method: clinical testing. Allele origin: germline. Observed: 12 variant alleles.
Comment: p.Pro21640Pro in exon 275 of TTN: This variant is not expected to have clinical significance because it has been identified in 2.4% (217/9008) of South Asian ch romosomes, including 4 homozygotes, by the Exome Aggregation Consortium (ExAC; dbSNP rs56293906).

GeneDx
Classification: Benign. Last evaluated: 2012-12-19. Review status: criteria provided, single submitter. Criteria: GeneDx Variant Classification (06012015). Collection method: clinical testing. Allele origin: germline. Affected: yes.
Comment: This variant is considered likely benign or benign based on one or more of the following criteria: it is a conservative change, it occurs at a poorly conserved position in the protein, it is predicted to be benign by multiple in silico algorithms, and/or has population frequency not consistent with disease.

Breakthrough Genomics
Classification: Likely benign. Review status: criteria provided, single submitter. Criteria: ACMG Guidelines, 2015. Collection method: not provided. Allele origin: germline. Inheritance: Autosomal recessive inheritance. Affected: yes.

Clinical Genetics DNA and cytogenetics Diagnostics Lab, Erasmus MC, Erasmus Medical Center
Classification: Likely benign. Review status: no assertion criteria provided. Collection method: clinical testing. Allele origin: germline. Affected: yes. Study: VKGL Data-share Consensus. Not counted in ClinVar's aggregate classification.

Clinical Genetics, Academic Medical Center
Classification: Benign. Review status: no assertion criteria provided. Collection method: clinical testing. Allele origin: germline. Affected: yes. Study: VKGL Data-share Consensus. Not counted in ClinVar's aggregate classification.

Diagnostic Laboratory, Department of Genetics, University Medical Center Groningen
Classification: Likely benign. Review status: no assertion criteria provided. Collection method: clinical testing. Allele origin: germline. Affected: yes. Study: VKGL Data-share Consensus. Not counted in ClinVar's aggregate classification.

Joint Genome Diagnostic Labs from Nijmegen and Maastricht, Radboudumc and MUMC+
Classification: Benign. Review status: no assertion criteria provided. Collection method: clinical testing. Allele origin: germline. Affected: yes. Study: VKGL Data-share Consensus. Not counted in ClinVar's aggregate classification.

Laboratory of Diagnostic Genome Analysis, Leiden University Medical Center (LUMC)
Classification: Likely benign. Review status: no assertion criteria provided. Collection method: clinical testing. Allele origin: germline. Affected: yes. Study: VKGL Data-share Consensus. Not counted in ClinVar's aggregate classification.